The following is an entry in ClinVar:

NM_000037.4(ANK1):c.2803C>T (p.Arg935Ter)

Gene: ANK1 (ankyrin 1; minus strand). Cytogenetic location: 8p11.21.
Variant type: single nucleotide variant.
Coding change: c.2803C>T on transcript NM_000037.4 (MANE Select); coding-DNA position 2803, C replaced by T.
Protein change: p.Arg935Ter; replaces arginine 935 with a stop codon.
Molecular consequence: nonsense.
Genome position (GRCh38, 1-based): chr8:41,696,520, G>A on the plus strand (C>T on the coding strand, the complement: ANK1 is on the minus strand). VCF-style: chr8-41696520-G-A. GRCh37 (hg19) VCF-style: chr8-41554038-G-A.
Other names: p.Arg935*; c.2803C>T (NM_000037.3, NM_020476.2); c.2926C>T, p.Arg976Ter (NM_001142446.2); c.2803C>T, p.Arg935Ter (NM_020475.3, NM_020476.3, NM_020477.3); short protein forms R935*, R976*.
Identifiers: ClinVar variation 1330761 (VCV001330761.47), dbSNP rs2150597061, ClinGen allele CA371062318.
Genomic context (GRCh38, chr8:41,696,520, plus strand): 5'-TGACCAGGCGGCAGGTGATGCGGGTGGGCGCTGCGCACGTCCGTGGCGGGATCACCACTC[G>A]CAGGCCGTTGTGGCGACTTCCTCTCATGGAACCACCCCGGGCGTCAACCATGAAGCTCAC-3'

ClinVar aggregate classification (germline): Pathogenic. Review status: criteria provided, multiple submitters, no conflicts (2 of 4 stars). 9 submissions from 9 submitters: Pathogenic (9). Last evaluated 2025-12-29.

Conditions:
Hereditary spherocytosis type 1. Also called: Spherocytosis type 1; ANK1-Related Spherocytosis. Identifiers: Orphanet 822, MedGen C2674218, MONDO:0008447, OMIM 182900.
ANK1-related disorder. Also called: ANK1-related condition.

Submissions (9):

PreventionGenetics, part of Exact Sciences
Classification: Pathogenic for ANK1-related condition. Last evaluated: 2025-12-29. Review status: criteria provided, single submitter. Criteria: ACMG Guidelines, 2015. Collection method: clinical testing. Allele origin: germline.
Comment: The ANK1 c.2803C>T variant is predicted to result in premature protein termination (p.Arg935*). This variant has previously been reported to be causative for autosomal dominant hereditary spherocytosis (Del Orbe Barreto et al. 2016. PubMed ID: 27427187; Choi et al. 2019. PubMed ID: 31122244; Tole et al. 2020. PubMed ID: 32436265; Wang et al. 2018. PubMed ID: 29572776). This variant has not been reported in a large population database, indicating this variant is rare. Nonsense variants in ANK1 are expected to be pathogenic. This variant is interpreted as pathogenic.

Labcorp Genetics (formerly Invitae), Labcorp
Classification: Pathogenic. Last evaluated: 2025-11-13. Review status: criteria provided, single submitter. Criteria: Invitae Variant Classification Sherloc (09022015). Collection method: clinical testing. Allele origin: germline.
Comment: This sequence change creates a premature translational stop signal (p.Arg935*) in the ANK1 gene. It is expected to result in an absent or disrupted protein product. Loss-of-function variants in ANK1 are known to be pathogenic (PMID: 8640229). This variant is not present in population databases (gnomAD no frequency). This premature translational stop signal has been observed in individual(s) with hereditary spherocytosis (PMID: 27427187, 29597199, 31122244, 32436265, 33074480, 33620149). This variant is also known as p.Arg976*. ClinVar contains an entry for this variant (Variation ID: 1330761). For these reasons, this variant has been classified as Pathogenic.

Genomic Medicine Center of Excellence, King Faisal Specialist Hospital and Research Centre
Classification: Pathogenic for Hereditary spherocytosis type 1. Last evaluated: 2025-09-10. Review status: criteria provided, single submitter. Criteria: ACMG Guidelines, 2015. Collection method: clinical testing. Allele origin: germline.

Center for Genomic Medicine, Rigshospitalet, Copenhagen University Hospital
Classification: Pathogenic. Last evaluated: 2025-03-04. Review status: criteria provided, single submitter. Criteria: ACMG Guidelines, 2015. Collection method: clinical testing. Allele origin: germline.
Comment: Classification criteria: PVS1, PS4_Moderate, PM2_Supporting

ARUP Laboratories, Molecular Genetics and Genomics, ARUP Laboratories
Classification: Pathogenic for Hereditary spherocytosis type 1. Last evaluated: 2024-11-01. Review status: criteria provided, single submitter. Criteria: ARUP Molecular Germline Variant Investigation Process 2024. Collection method: clinical testing. Allele origin: germline.
Comment: The ANK1 c.2803C>T; p.Arg935Ter variant (ClinVar Variation ID 1330761), also known in the literature as c.2926C>T;p.Arg976Ter, is reported in multiple individuals with spherocytosis (Choi 2019, Del Orbe Barreto 2016, Gao 2018, Muramatsu 2017, Tole 2020, Wang 2018, Xie 2021). This variant is absent from the Genome Aggregation Database (v2.1.1), indicating it is not a common polymorphism. This variant induces an early termination codon and is predicted to result in a truncated protein or mRNA subject to nonsense-mediated decay. Based on available information, this variant is considered to be pathogenic. References: Choi HS et al. Molecular diagnosis of hereditary spherocytosis by multi-gene target sequencing in Korea: matching with osmotic fragility test and presence of spherocyte. Orphanet J Rare Dis. 2019 May 23. PMID: 31122244. Del Orbe Barreto R et al. Detection of new pathogenic mutations in patients with congenital haemolytic anaemia using next-generation sequencing. Int J Lab Hematol. 2016 Dec. PMID: 27427187. Gao Y et al. Diagnosis of Hereditary Spherocytosis and Secondary Hemochromatosis in a Patient with Jaundice. Acta Haematol. 2018 PMID: 29597199. Muramatsu H et al. Clinical utility of next-generation sequencing for inherited bone marrow failure syndromes. Genet Med. 2017 Jul. PMID: 28102861. Tole S et al. Genotype-phenotype correlation in children with hereditary spherocytosis. Br J Haematol. 2020 Nov. PMID: 32436265. Wang R et al. Exome sequencing confirms molecular diagnoses in 38 Chinese families with hereditary spherocytosis. Sci China Life Sci. 2018 Aug. PMID: 29572776. Xie F et al. Clinical manifestation and phenotypic analysis of novel gene mutation in 28 Chinese children with hereditary spherocytosis. Mol Genet Genomic Med. 2021 Apr. PMID: 33620149.

Mayo Clinic Laboratories, Mayo Clinic
Classification: Pathogenic. Last evaluated: 2024-09-19. Review status: criteria provided, single submitter. Criteria: ACMG Guidelines, 2015. Collection method: clinical testing. Allele origin: germline.

Blueprint Genetics
Classification: Pathogenic for ANK1-related disorders. Last evaluated: 2024-08-23. Review status: criteria provided, single submitter. Criteria: ACMG Guidelines, 2015. Collection method: clinical testing. Allele origin: germline. Affected: yes. Observed: 1 variant allele.

Revvity Omics, Revvity
Classification: Pathogenic for Hereditary spherocytosis type 1. Last evaluated: 2024-06-06. Review status: criteria provided, single submitter. Criteria: ACMG Guidelines, 2015. Collection method: clinical testing. Allele origin: germline.

Jiangsu Institute of Hematology, the First Affiliated Hospital of Soochow University
Classification: Pathogenic for Hereditary spherocytosis type 1. Last evaluated: 2022-03-01. Review status: criteria provided, single submitter. Criteria: ACMG Guidelines, 2015. Collection method: research. Allele origin: de novo. Affected: yes.

Literature cited by the submitters: PubMed 8640229 (cited by Labcorp Genetics (formerly Invitae), Labcorp and Center for Genomic Medicine, Rigshospitalet, Copenhagen University Hospital); PubMed 27427187 (cited by Labcorp Genetics (formerly Invitae), Labcorp and Center for Genomic Medicine, Rigshospitalet, Copenhagen University Hospital); PubMed 29597199 (cited by Labcorp Genetics (formerly Invitae), Labcorp); PubMed 31122244 (cited by Labcorp Genetics (formerly Invitae), Labcorp); PubMed 32436265 (cited by 3 submitters); PubMed 33074480 (cited by Labcorp Genetics (formerly Invitae), Labcorp and Mayo Clinic Laboratories, Mayo Clinic); PubMed 33620149 (cited by Labcorp Genetics (formerly Invitae), Labcorp and Mayo Clinic Laboratories, Mayo Clinic); PubMed 28102861 (cited by Mayo Clinic Laboratories, Mayo Clinic); PubMed 32702754 (cited by Mayo Clinic Laboratories, Mayo Clinic); PubMed 34953813 (cited by Mayo Clinic Laboratories, Mayo Clinic); PubMed 36203343 (cited by Mayo Clinic Laboratories, Mayo Clinic).